The following is an entry in ClinVar:

ClinVar aggregate classification (germline): Conflicting classifications of pathogenicity. Review status: criteria provided, conflicting classifications (1 of 4 stars). 5 submissions from 5 submitters: Uncertain significance (2); Likely benign (1). 2 of the submissions do not count toward it. Last evaluated 2023-01-01.

Allele frequency attached by ClinVar (database versions not stated): ESP Exome Variant Server 0.00028; ExAC 0.00030; gnomAD exomes 0.00032 and 0.00053; TOPMed 0.00035; gnomAD 0.00039.
gnomAD v4.1: 628 of 1,209,155 alleles (0.052%); highest among the groups gnomAD compares: Non-Finnish European, 0.065%; no homozygotes.

Submissions (5):

CeGaT Center for Human Genetics Tuebingen
Classification: Likely benign. Last evaluated: 2023-01-01. Review status: criteria provided, single submitter. Criteria: CeGaT Center For Human Genetics Tuebingen Variant Classification Criteria Version 2. Collection method: clinical testing. Allele origin: germline. Affected: yes. Observed: 5 variant alleles.
Comment: SHROOM4: BP4, BS2

Ambry Genetics
Classification: Uncertain significance. Last evaluated: 2021-08-02. Review status: criteria provided, single submitter. Criteria: Ambry Variant Classification Scheme 2023. Collection method: clinical testing. Allele origin: germline.

Genetic Services Laboratory, University of Chicago
Classification: Uncertain significance. Last evaluated: 2016-01-29. Review status: criteria provided, single submitter. Criteria: ACMG Guidelines, 2015. Collection method: clinical testing. Allele origin: germline. Affected: no.

Clinical Genetics DNA and cytogenetics Diagnostics Lab, Erasmus MC, Erasmus Medical Center
Classification: Likely benign. Review status: no assertion criteria provided. Collection method: clinical testing. Allele origin: germline. Affected: yes. Study: VKGL Data-share Consensus. Not counted in ClinVar's aggregate classification.

Diagnostic Laboratory, Department of Genetics, University Medical Center Groningen
Classification: Likely benign. Review status: no assertion criteria provided. Collection method: clinical testing. Allele origin: germline. Affected: yes. Study: VKGL Data-share Consensus. Not counted in ClinVar's aggregate classification.

NM_020717.5(SHROOM4):c.1675G>A (p.Glu559Lys)

Gene: SHROOM4 (shroom family member 4; minus strand). Cytogenetic location: Xp11.22.
Variant type: single nucleotide variant.
Coding change: c.1675G>A on transcript NM_020717.5 (MANE Select); coding-DNA position 1675, G replaced by A.
Protein change: p.Glu559Lys; replaces glutamic acid 559 with lysine.
Molecular consequence: missense variant. On other transcripts: non-coding transcript variant (4).
Genome position (GRCh38, 1-based): chrX:50,634,398, C>T on the plus strand (G>A on the coding strand, the complement: SHROOM4 is on the minus strand). VCF-style: chrX-50634398-C-T. GRCh37 (hg19) VCF-style: chrX-50377398-C-T.
Other names: short protein forms E559K.
Identifiers: ClinVar variation 436721 (VCV000436721.49), dbSNP rs151329289, ClinGen allele CA10416221.